The following is an entry in ClinVar:

ClinVar aggregate classification (germline): Uncertain significance (1 of 4 stars; one submission).

Conditions:
Severe early-onset pulmonary alveolar proteinosis due to MARS deficiency. Also called: PULMONARY ALVEOLAR PROTEINOSIS, REUNION ISLAND; Interstitial lung and liver disease. Identifiers: Orphanet 440427, MedGen C4225400, MONDO:0014206, OMIM 615486.
Charcot-Marie-Tooth disease axonal type 2U. Also called: CHARCOT-MARIE-TOOTH NEUROPATHY, TYPE 2U; CHARCOT-MARIE-TOOTH DISEASE, AXONAL, AUTOSOMAL DOMINANT, TYPE 2U. Identifiers: Orphanet 397735, MedGen C4084821, MONDO:0014566, OMIM 616280.

Allele frequency attached by ClinVar (database versions not stated): gnomAD exomes below 0.00001 and 0.00001; ExAC 0.00002; gnomAD 0.00002; TOPMed 0.00003.
gnomAD v4.1: 7 of 1,614,018 alleles (0.00043%); highest among the groups gnomAD compares: African/African-American, 0.004%; no homozygotes.

Submission:

Labcorp Genetics (formerly Invitae), Labcorp
Classification: Uncertain significance for Charcot-Marie-Tooth disease axonal type 2U; Severe early-onset pulmonary alveolar proteinosis due to MARS deficiency. Last evaluated: 2022-06-20. Review status: criteria provided, single submitter. Criteria: Invitae Variant Classification Sherloc (09022015). Collection method: clinical testing. Allele origin: germline.
Comment: In summary, the available evidence is currently insufficient to determine the role of this variant in disease. Therefore, it has been classified as a Variant of Uncertain Significance. Algorithms developed to predict the effect of missense changes on protein structure and function (SIFT, PolyPhen-2, Align-GVGD) all suggest that this variant is likely to be tolerated. This variant has not been reported in the literature in individuals affected with MARS-related conditions. This variant is present in population databases (rs759262797, gnomAD 0.01%). This sequence change replaces threonine, which is neutral and polar, with methionine, which is neutral and non-polar, at codon 824 of the MARS protein (p.Thr824Met).

NM_004990.4(MARS1):c.2471C>T (p.Thr824Met)

Gene: MARS1 (methionyl-tRNA synthetase 1; plus strand). Cytogenetic location: 12q13.3.
Variant type: single nucleotide variant.
Coding change: c.2471C>T on transcript NM_004990.4 (MANE Select); coding-DNA position 2471, C replaced by T.
Protein change: p.Thr824Met; replaces threonine 824 with methionine.
Molecular consequence: missense variant.
Genome position (GRCh38, 1-based): chr12:57,516,252, C>T. VCF-style: chr12-57516252-C-T. GRCh37 (hg19) VCF-style: chr12-57910035-C-T.
Other names: short protein forms T824M.
Identifiers: ClinVar variation 1681799 (VCV001681799.6), dbSNP rs759262797, ClinGen allele CA6650860.